The following is an entry in ClinVar:

NM_001399.5(EDA):c.730C>T (p.Arg244Ter)

Gene: EDA (ectodysplasin A; plus strand). Cytogenetic location: Xq13.1.
Variant type: single nucleotide variant.
Coding change: c.730C>T on transcript NM_001399.5 (MANE Select); coding-DNA position 730, C replaced by T.
Protein change: p.Arg244Ter; replaces arginine 244 with a stop codon.
Molecular consequence: nonsense.
Genome position (GRCh38, 1-based): chrX:70,029,527, C>T. VCF-style: chrX-70029527-C-T. GRCh37 (hg19) VCF-style: chrX-69249377-C-T.
Other names: c.730C>T, p.Arg244Ter (NM_001005609.2, NM_001005612.3); short protein forms R244*.
Identifiers: ClinVar variation 44205 (VCV000044205.18), dbSNP rs397516672, ClinGen allele CA261503.
Genomic context (GRCh38, chrX:70,029,527, plus strand): 5'-AGATTATGCCCTCTGATTGTCCTATCCTATTTTGCAGGTGCTGCTGATAAAGCTGGAACT[C>T]GAGAAAACCAGGTTGGCTGGGGATTGCTCTCTTCCTGGGTAGGAGGGAAAGCCACAGGCT-3'

ClinVar aggregate classification (germline): Pathogenic. Review status: criteria provided, multiple submitters, no conflicts (2 of 4 stars). 5 submissions from 5 submitters: Pathogenic (4). 1 of the submissions does not count toward it. Last evaluated 2025-08-19.

Conditions:
EDA-related disorder. Also called: EDA-related condition; EDA-related disorders.
Hypohidrotic X-linked ectodermal dysplasia (XHED). Also called: ECTODERMAL DYSPLASIA, HYPOHIDROTIC, 1; CST SYNDROME; ECTODERMAL DYSPLASIA 1, HYPOHIDROTIC, X-LINKED; ECTODERMAL DYSPLASIA 1; ECTODERMAL DYSPLASIA 1, HYPOHIDROTIC/HAIR/TOOTH TYPE, X-LINKED; Ectodermal Dysplasia 1, Anhidrotic. Identifiers: Orphanet 181, Orphanet 238468, MedGen C0162359, MONDO:0010585, OMIM 305100.

Submissions (5):

3billion
Classification: Pathogenic for Hypohidrotic X-linked ectodermal dysplasia. Last evaluated: 2025-08-19. Review status: criteria provided, single submitter. Criteria: ACMG Guidelines, 2015. Collection method: clinical testing. Allele origin: germline. Affected: yes.
Comment: The variant is not observed in the gnomAD v4.1.0 dataset. Predicted Consequence/Location: Stop-gained (nonsense): predicted to result in a loss or disruption of normal protein function through nonsense-mediated decay (NMD) or protein truncation. Multiple pathogenic variants are reported downstream of the variant. In silico tools predict the variant to alter splicing and produce an abnormal transcript [SpliceAI: 0.43 (spliceogenicity >=0.2, non-spliceogenicity <0.1)]. The variant has been reported at least twice as pathogenic with clinical assertions and evidence for the classification (ClinVar ID: VCV000044205 /PMID: 11378824 /3billion dataset). Therefore, this variant is classified as Pathogenic according to the recommendation of ACMG/AMP guideline.

GeneDx
Classification: Pathogenic. Last evaluated: 2025-04-10. Review status: criteria provided, single submitter. Criteria: GeneDx Variant Classification Process June 2021. Collection method: clinical testing. Allele origin: germline. Affected: yes.
Comment: Nonsense variant predicted to result in protein truncation or nonsense mediated decay in a gene for which loss of function is a known mechanism of disease; Not observed in large population cohorts (gnomAD); This variant is associated with the following publications: (PMID: 26345974, 25525159, 38129747, 22032522, 33240318, 11378824)

Labcorp Genetics (formerly Invitae), Labcorp
Classification: Pathogenic for Hypohidrotic X-linked ectodermal dysplasia. Last evaluated: 2025-02-23. Review status: criteria provided, single submitter. Criteria: Invitae Variant Classification Sherloc (09022015). Collection method: clinical testing. Allele origin: germline.
Comment: This sequence change creates a premature translational stop signal (p.Arg244*) in the EDA gene. It is expected to result in an absent or disrupted protein product. Loss-of-function variants in EDA are known to be pathogenic (PMID: 9683615). This variant is not present in population databases (gnomAD no frequency). This premature translational stop signal has been observed in individuals with hypohidrotic ectodermal dysplasia (PMID: 11378824, 22032522). ClinVar contains an entry for this variant (Variation ID: 44205). Algorithms developed to predict the effect of sequence changes on RNA splicing suggest that this variant may disrupt the consensus splice site. For these reasons, this variant has been classified as Pathogenic.

Laboratory for Molecular Medicine, Mass General Brigham Personalized Medicine
Classification: Pathogenic for Hypohidrotic X-linked ectodermal dysplasia. Last evaluated: 2012-08-24. Review status: criteria provided, single submitter. Criteria: LMM Criteria. Collection method: clinical testing. Allele origin: germline. Inheritance: X-linked inheritance. Observed: 2 variant alleles.
Comment: The p.Arg244X variant in EDA has been reported two females with clinical feature s of hypohidrotic ectodermal dysplasia (HED) and segregated with disease in an a ffected sister of one of these probands (Vincent 2001). It was absent from large population studies. This nonsense variant leads to a premature termination codo n at position 244, which is predicted to lead to a truncated or absent protein. Loss of function of the EDA gene is an established disease mechanism in XLHED. I n summary, this variant meets our criteria to be classified as pathogenic for HE D in an X-linked manner based upon segregation studies, absence from controls, and predicted impact to the pr otein.

PreventionGenetics, part of Exact Sciences
Classification: Pathogenic for EDA-related condition. Last evaluated: 2024-01-19. Review status: no assertion criteria provided. Collection method: clinical testing. Allele origin: germline. Not counted in ClinVar's aggregate classification.
Comment: The EDA c.730C>T variant is predicted to result in premature protein termination (p.Arg244*). This variant was reported in four heterozygous females from two apparently unrelated families, segregating with features of ectodermal dysplasia (Vincent et al 2001. PubMed ID: 11378824). This variant has not been reported in a large population database, indicating it is rare. Nonsense variants in EDA are expected to be pathogenic. This variant is interpreted as pathogenic.

Literature cited by the submitters: PubMed 11378824 (cited by 3 submitters); PubMed 9683615 (cited by Labcorp Genetics (formerly Invitae), Labcorp); PubMed 22032522 (cited by Labcorp Genetics (formerly Invitae), Labcorp).